The following is an entry in ClinVar:

ClinVar aggregate classification (germline): Pathogenic/Likely pathogenic. Review status: criteria provided, multiple submitters, no conflicts (2 of 4 stars). 4 submissions from 4 submitters: Pathogenic (3); Likely pathogenic (1). Last evaluated 2025-12-22.

Conditions:
Congenital muscular dystrophy due to integrin alpha-7 deficiency. Also called: Congenital muscular dystrophy with integrin alpha-7 deficiency; Muscular dystrophy, congenital, due to ITGA7 deficiency; MYOPATHY, CONGENITAL, DUE TO INTEGRIN ALPHA-7 DEFICIENCY. Identifiers: Orphanet 34520, MedGen C2750786, MONDO:0013177, OMIM 613204.

Allele frequency attached by ClinVar (database versions not stated): gnomAD exomes 0.00002 and 0.00006; ExAC 0.00004; gnomAD 0.00006 and 0.00007; TOPMed 0.00009; ESP Exome Variant Server 0.00015.
gnomAD v4.1: 32 of 1,614,068 alleles (0.002%); highest among the groups gnomAD compares: African/African-American, 0.02%; 1 homozygote.

Submissions (4):

Labcorp Genetics (formerly Invitae), Labcorp
Classification: Pathogenic for Congenital muscular dystrophy due to integrin alpha-7 deficiency. Last evaluated: 2025-12-22. Review status: criteria provided, single submitter. Criteria: Invitae Variant Classification Sherloc (09022015). Collection method: clinical testing. Allele origin: germline.
Comment: This sequence change creates a premature translational stop signal (p.Arg143*) in the ITGA7 gene. It is expected to result in an absent or disrupted protein product. Loss-of-function variants in ITGA7 are known to be pathogenic (PMID: 9590299). This variant is present in population databases (rs17854600, gnomAD 0.03%). This variant has not been reported in the literature in individuals affected with ITGA7-related conditions. ClinVar contains an entry for this variant (Variation ID: 638329). For these reasons, this variant has been classified as Pathogenic.

Laboratory for Molecular Medicine, Mass General Brigham Personalized Medicine
Classification: Likely pathogenic for Congenital muscular dystrophy due to integrin alpha-7 deficiency. Last evaluated: 2023-10-02. Review status: criteria provided, single submitter. Criteria: ACMG Guidelines, 2015. Collection method: clinical testing. Allele origin: germline. Inheritance: Autosomal recessive inheritance.
Comment: The p.Arg30X variant in ITGA7 has not been previously reported in the literature in individuals with muscular dystrophy other ITGA7-associated diseases but has been reported by other clinical laboratories in ClinVar (Variation ID 638329). It has been identified in 0.02% (9/41456) of African chromosomes including 1 homozygote by gnomAD (v.3.1.2). This nonsense variant leads to a premature termination codon at position 30, which is predicted to lead to a truncated or absent protein. Nonsense and other loss of function variants in the ITGA7 gene have been reported in individuals with congenital muscular dystrophy (Hayashi 1998 PMID: 9590299; Xia 2021 PMID: 34552617; Bugiardini 2022 PMID: 36444867). Additionally, knock out mouse models displayed skeletal muscle abnormalities similar to those observed in human myopathies (Bugiardini 2022 PMID: 36444867). In summary, although additional studies are required to fully establish its clinical significance, this variant meets criteria to be classified as likely pathogenic for autosomal recessive congenital muscular dystrophy. ACMG/AMP Criteria applied: PVS1, PM2_Supporting.

Genomic Research Center, Shahid Beheshti University of Medical Sciences
Classification: Pathogenic for Muscular dystrophy, congenital, due to ITGA7 deficiency. Last evaluated: 2019-04-27. Review status: criteria provided, single submitter. Criteria: ACMG Guidelines, 2015. Collection method: clinical testing. Allele origin: unknown. Affected: no.

Juno Genomics, Hangzhou Juno Genomics, Inc
Classification: Pathogenic for Congenital muscular dystrophy due to integrin alpha-7 deficiency. Review status: criteria provided, single submitter. Criteria: ACMG Guidelines, 2015. Collection method: clinical testing. Allele origin: germline. Affected: yes.
Comment: Absent from controls (or at extremely low frequency if recessive) in Genome Aggregation Database, Exome Sequencing Project, 1000 Genomes Project, or Exome Aggregation Consortium.;Null variant in a gene where loss of function (LOF) is a known mechanism of disease.;Patient's phenotype or family history is highly specific for a disease with a single genetic etiology.

Literature cited by the submitters: PubMed 9590299 (cited by Labcorp Genetics (formerly Invitae), Labcorp and Laboratory for Molecular Medicine, Mass General Brigham Personalized Medicine); PubMed 34552617 (cited by Laboratory for Molecular Medicine, Mass General Brigham Personalized Medicine); PubMed 36444867 (cited by Laboratory for Molecular Medicine, Mass General Brigham Personalized Medicine).

NM_002206.3(ITGA7):c.427C>T (p.Arg143Ter)

Gene: ITGA7 (integrin subunit alpha 7; minus strand). Cytogenetic location: 12q13.2.
Variant type: single nucleotide variant.
Coding change: c.427C>T on transcript NM_002206.3 (MANE Select); coding-DNA position 427, C replaced by T.
Protein change: p.Arg143Ter; replaces arginine 143 with a stop codon.
Molecular consequence: nonsense. On other transcripts: 5 prime UTR variant (1).
Genome position (GRCh38, 1-based): chr12:55,701,142, G>A on the plus strand (C>T on the coding strand, the complement: ITGA7 is on the minus strand). VCF-style: chr12-55701142-G-A. GRCh37 (hg19) VCF-style: chr12-56094926-G-A.
Other names: c.427C>T, p.Arg143Ter (NM_001144996.2, NM_001374465.1, NM_001410977.1 and 5 more transcripts); c.136C>T, p.Arg46Ter (NM_001144997.2); c.88C>T, p.Arg30Ter (NM_001367993.1, NM_001414035.1); c.-746C>T (NM_001367994.1); short protein forms R143*, R46*, R30*.
Identifiers: ClinVar variation 638329 (VCV000638329.14), dbSNP rs17854600, ClinGen allele CA6616313.
Genomic context (GRCh38, chr12:55,701,142, plus strand): 5'-AGCGACCAATCATATCCCGCGTCTCCAGGATCTGGTCCACTCGCTGCCTTGCCTCATATC[G>A]GTGTGCACAGGTCTGGGGGAGGAAGGGATGGGGATCATTTCACTCTGTGGGCCAGGGACC-3'